The following is an entry in ClinVar:

ClinVar aggregate classification (germline): Uncertain significance (1 of 4 stars; one submission).

Conditions:
Hereditary cancer-predisposing syndrome. Also called: Hereditary Cancer Syndrome; Hereditary neoplastic syndrome; Neoplastic Syndromes, Hereditary; Tumor predisposition. Identifiers: Orphanet 140162, MedGen C0027672, MeSH D009386, MONDO:0015356.

Submission:

Ambry Genetics
Classification: Uncertain significance for Hereditary cancer-predisposing syndrome. Last evaluated: 2020-12-29. Review status: criteria provided, single submitter. Criteria: Ambry Variant Classification Scheme 2023. Collection method: clinical testing. Allele origin: germline.
Comment: The p.H482D variant (also known as c.1444C>G), located in coding exon 14 of the MUTYH gene, results from a C to G substitution at nucleotide position 1444. The histidine at codon 482 is replaced by aspartic acid, an amino acid with similar properties. This amino acid position is not well conserved in available vertebrate species. In addition, the in silico prediction for this alteration is inconclusive. Since supporting evidence is limited at this time, the clinical significance of this alteration remains unclear.

NM_001048174.2(MUTYH):c.1360C>G (p.His454Asp)

Gene: MUTYH (mutY DNA glycosylase; minus strand). Cytogenetic location: 1p34.1.
Variant type: single nucleotide variant.
Coding change: c.1360C>G on transcript NM_001048174.2 (MANE Select); coding-DNA position 1360, C replaced by G.
Protein change: p.His454Asp; replaces histidine 454 with aspartic acid.
Molecular consequence: missense variant. On other transcripts: non-coding transcript variant (2).
Genome position (GRCh38, 1-based): chr1:45,331,214, G>C on the plus strand (C>G on the coding strand, the complement: MUTYH is on the minus strand). VCF-style: chr1-45331214-G-C. GRCh37 (hg19) VCF-style: chr1-45796886-G-C.
Other names: c.1381C>G, p.His461Asp (NM_001407087.1); c.1360C>G, p.His454Asp (NM_001407088.1, NM_001407089.1, NM_001048171.2 and 6 more transcripts); c.1084C>G, p.His362Asp (NM_001407091.1, NM_001293192.2, NM_001293196.2); c.1435C>G, p.His479Asp (NM_012222.3); c.1363C>G, p.His455Asp (NM_001048172.2, NM_001407071.1, NM_001407078.1 and 1 more transcripts); c.1444C>G, p.His482Asp (NM_001128425.2); c.1405C>G, p.His469Asp (NM_001293190.2); c.1393C>G, p.His465Asp (NM_001293191.2, NM_001407069.1, NM_001407077.1); and 5 more; short protein forms H426D, H461D, H468D, H440D, H465D, H339D, H362D, H454D.
Identifiers: ClinVar variation 1772769 (VCV001772769.2), dbSNP rs2523905800, ClinGen allele CA340132563.